The following is an entry in ClinVar:

NM_006180.6(NTRK2):c.1345G>A (p.Val449Ile)

Gene: NTRK2 (neurotrophic receptor tyrosine kinase 2; plus strand). Cytogenetic location: 9q21.33.
Variant type: single nucleotide variant.
Coding change: c.1345G>A on transcript NM_006180.6 (MANE Select); coding-DNA position 1345, G replaced by A.
Protein change: p.Val449Ile; replaces valine 449 with isoleucine.
Molecular consequence: missense variant.
Genome position (GRCh38, 1-based): chr9:84,752,034, G>A. VCF-style: chr9-84752034-G-A. GRCh37 (hg19) VCF-style: chr9-87366949-G-A.
Other names: c.1345G>A, p.Val449Ile (NM_001007097.3, NM_001018064.3, NM_001018065.2 and 15 more transcripts); c.1306G>A, p.Val436Ile (NM_001291937.2, NM_001369546.1); c.1309G>A, p.Val437Ile (NM_001369534.1); c.877G>A, p.Val293Ile (NM_001369535.1, NM_001369536.1, NM_001369550.1 and 2 more transcripts); c.1345G>A (NM_006180.4); short protein forms V437I, V293I, V436I, V449I.
Identifiers: ClinVar variation 1379658 (VCV001379658.7), dbSNP rs201445439, ClinGen allele CA5105720.

ClinVar aggregate classification (germline): Uncertain significance. Review status: criteria provided, single submitter (1 of 4 stars). 2 submissions from 2 submitters: Uncertain significance (1). 1 of the submissions does not count toward it. Last evaluated 2025-12-16.

Conditions:
NTRK2-related disorder. Also called: NTRK2-related condition.

Allele frequency attached by ClinVar (database versions not stated): ExAC 0.00003; gnomAD 0.00005; gnomAD exomes 0.00005; TOPMed 0.00006.
gnomAD v4.1: 50 of 1,614,054 alleles (0.0031%); highest among the groups gnomAD compares: Admixed American, 0.027%; no homozygotes.

Submissions (2):

Labcorp Genetics (formerly Invitae), Labcorp
Classification: Uncertain significance. Last evaluated: 2025-12-16. Review status: criteria provided, single submitter. Criteria: Invitae Variant Classification Sherloc (09022015). Collection method: clinical testing. Allele origin: germline.
Comment: This sequence change replaces valine, which is neutral and non-polar, with isoleucine, which is neutral and non-polar, at codon 449 of the NTRK2 protein (p.Val449Ile). This variant is present in population databases (rs201445439, gnomAD 0.03%). This variant has not been reported in the literature in individuals affected with NTRK2-related conditions. ClinVar contains an entry for this variant (Variation ID: 1379658). Invitae Evidence Modeling of protein sequence and biophysical properties (such as structural, functional, and spatial information, amino acid conservation, physicochemical variation, residue mobility, and thermodynamic stability) indicates that this missense variant is not expected to disrupt NTRK2 protein function with a negative predictive value of 80%. In summary, the available evidence is currently insufficient to determine the role of this variant in disease. Therefore, it has been classified as a Variant of Uncertain Significance.

PreventionGenetics, part of Exact Sciences
Classification: Uncertain significance for NTRK2-related condition. Last evaluated: 2024-09-03. Review status: no assertion criteria provided. Collection method: clinical testing. Allele origin: germline. Not counted in ClinVar's aggregate classification.
Comment: The NTRK2 c.1345G>A variant is predicted to result in the amino acid substitution p.Val449Ile. To our knowledge, this variant has not been reported in the literature. This variant is reported in 0.031% of alleles in individuals of Latino descent in gnomAD, which is likely too common for an undocumented disease-causing variant. Although we suspect that this variant may be benign, at this time, the clinical significance of this variant is uncertain due to the absence of conclusive functional and genetic evidence.